The following is an entry in ClinVar:

NM_001367624.2(ZNF469):c.10430T>A (p.Val3477Glu)

Gene: ZNF469 (zinc finger protein 469; plus strand). Cytogenetic location: 16q24.2.
Variant type: single nucleotide variant.
Coding change: c.10430T>A on transcript NM_001367624.2 (MANE Select); coding-DNA position 10430, T replaced by A.
Protein change: p.Val3477Glu; replaces valine 3477 with glutamic acid.
Molecular consequence: missense variant.
Genome position (GRCh38, 1-based): chr16:88,437,900, T>A. VCF-style: chr16-88437900-T-A. GRCh37 (hg19) VCF-style: chr16-88504308-T-A.
Other names: NM_001127464.1:c.10346T>A; short protein forms V3477E.
Identifiers: ClinVar variation 5032261 (VCV005032261.1).

ClinVar aggregate classification (germline): Uncertain significance (1 of 4 stars; one submission).

Conditions:
Cardiovascular phenotype. Identifiers: MedGen CN230736.

Submission:

Ambry Genetics
Classification: Uncertain significance for Cardiovascular phenotype. Last evaluated: 2026-08-24. Review status: criteria provided, single submitter. Criteria: Ambry Variant Classification Scheme 2023. Collection method: clinical testing. Allele origin: germline.
Comment: The p.V3449E variant (also known as c.10346T>A), located in coding exon 2 of the ZNF469 gene, results from a T to A substitution at nucleotide position 10346. The valine at codon 3449 is replaced by glutamic acid, an amino acid with dissimilar properties. This amino acid position is conserved. In addition, this alteration is predicted to be tolerated by in silico analysis. Based on the available evidence, the clinical significance of this variant remains unclear.